The following is an entry in ClinVar:

ClinVar aggregate classification (germline): Benign/Likely benign. Review status: criteria provided, multiple submitters, no conflicts (2 of 4 stars). 8 submissions from 8 submitters: Benign (7); Likely benign (1). Last evaluated 2026-02-04.

Conditions:
Cardiovascular phenotype. Identifiers: MedGen CN230736.
Lipase deficiency, combined. Also called: LIPOPROTEIN LIPASE DEFICIENCY WITH HEPATIC TRIGLYCERIDE LIPASE DEFICIENCY; LPL AND HL DEFICIENCY; LPL AND HTGL DEFICIENCY. Identifiers: Orphanet 535453, MedGen C1855498, MONDO:0009527, OMIM 246650.

Allele frequency attached by ClinVar (database versions not stated): ESP Exome Variant Server 0.06381; TOPMed 0.06671; gnomAD 0.06948 and 0.07219; 1000 Genomes Project 30x 0.07199; 1000 Genomes Project 0.07408; gnomAD exomes 0.08598; ExAC 0.18220.

Submissions (8):

Labcorp Genetics (formerly Invitae), Labcorp
Classification: Benign. Last evaluated: 2026-02-04. Review status: criteria provided, single submitter. Criteria: Invitae Variant Classification Sherloc (09022015). Collection method: clinical testing. Allele origin: germline.

Genomic Medicine Center of Excellence, King Faisal Specialist Hospital and Research Centre
Classification: Likely benign for Lipase deficiency, combined. Last evaluated: 2025-07-30. Review status: criteria provided, single submitter. Criteria: ACMG Guidelines, 2015. Collection method: clinical testing. Allele origin: germline.

Molecular Diagnostic Laboratory for Inherited Cardiovascular Disease, Montreal Heart Institute
Classification: Benign. Last evaluated: 2025-04-09. Review status: criteria provided, single submitter. Criteria: ACMG Guidelines, 2015. Collection method: clinical testing. Allele origin: germline. Affected: no.

Blueprint Genetics
Classification: Benign. Last evaluated: 2024-11-27. Review status: criteria provided, single submitter. Criteria: ACMG Guidelines, 2015. Collection method: clinical testing. Allele origin: germline.

Mayo Clinic Laboratories, Mayo Clinic
Classification: Benign. Last evaluated: 2023-02-24. Review status: criteria provided, single submitter. Criteria: ACMG Guidelines, 2015. Collection method: clinical testing. Allele origin: germline. Observed: 27 variant alleles.
Comment: BA1, BS3, BP4

Ambry Genetics
Classification: Benign for Cardiovascular phenotype. Last evaluated: 2019-02-16. Review status: criteria provided, single submitter. Criteria: Ambry Variant Classification Scheme 2023. Collection method: clinical testing. Allele origin: germline.

GeneDx
Classification: Benign. Last evaluated: 2018-08-30. Review status: criteria provided, single submitter. Criteria: GeneDx Variant Classification Process June 2021. Collection method: clinical testing. Allele origin: germline. Affected: yes.

Breakthrough Genomics
Classification: Benign. Review status: criteria provided, single submitter. Criteria: ACMG Guidelines, 2015. Collection method: not provided. Allele origin: germline. Inheritance: Autosomal recessive inheritance. Affected: yes.

Literature cited by the submitters: PubMed 22239554 (cited by Mayo Clinic Laboratories, Mayo Clinic); PubMed 32190547 (cited by Mayo Clinic Laboratories, Mayo Clinic); PubMed 35669187 (cited by Mayo Clinic Laboratories, Mayo Clinic).

NM_022773.4(LMF1):c.107G>A (p.Gly36Asp)

Genes: LMF1 (lipase maturation factor 1; minus strand), LOC130058141 (ATAC-STARR-seq lymphoblastoid silent region 6962; plus strand). Cytogenetic location: 16p13.3.
Variant type: single nucleotide variant.
Coding change: c.107G>A on transcript NM_022773.4 (MANE Select); coding-DNA position 107, G replaced by A.
Protein change: p.Gly36Asp; replaces glycine 36 with aspartic acid.
Molecular consequence: missense variant. On other transcripts: 5 prime UTR variant (1), non-coding transcript variant (1), intron variant (3).
Genome position (GRCh38, 1-based): chr16:970,874, C>T on the plus strand (G>A on the coding strand, the complement: LMF1 is on the minus strand). VCF-style: chr16-970874-C-T. GRCh37 (hg19) VCF-style: chr16-1020874-C-T.
Other names: p.Gly36Asp; c.107G>A, p.Gly36Asp (NM_001352020.1); c.-599G>A (NM_001352021.2); c.-135+10271G>A (NM_001352019.2); c.-611+10271G>A (NM_001352017.2); c.-362+10271G>A (NM_001352018.2); short protein forms G36D.
Identifiers: ClinVar variation 1262034 (VCV001262034.17), dbSNP rs111980103, ClinGen allele CA7797777.
Genomic context (GRCh38, chr16:970,874, plus strand): 5'-AGCACGATCCGGGTCAGCCAGAAGGTGCCCGTGTGGAGATGGGCCGGAGAGCCTGCGGGG[C>T]CACGCCCCGGCGCGGGCGGCGACTCAGGCTCCGGATCCGAGTACCCAGTCTTCCGCCTCC-3'
Protein context (NP_073610.2, residues 26-46): EPESPPAPGR[Gly36Asp]PAGSPAHLHT